The following is an entry in ClinVar:

NM_000059.4(BRCA2):c.8996dup (p.Leu3000fs)

Gene: BRCA2 (BRCA2 DNA repair associated; plus strand). Cytogenetic location: 13q13.1.
Variant type: Duplication.
Coding change: c.8996dup on transcript NM_000059.4 (MANE Select); coding-DNA position 8996, one base duplicated (T; older notation c.8996dupT).
Protein change: p.Leu3000fs; shifts the reading frame from leucine 3000.
Molecular consequence: frameshift variant.
Genome position (GRCh38, 1-based): chr13:32,379,792, T duplicated. VCF-style (leftmost placement, unchanged base first): chr13-32379791-C-CT. GRCh37 (hg19) VCF-style: chr13-32953928-C-CT.
Other names: c.8996dupT (NM_000059.3); short protein forms L3000fs.
Identifiers: ClinVar variation 185661 (VCV000185661.8), dbSNP rs786202353, ClinGen allele CA192553.

ClinVar aggregate classification (germline): Pathogenic. Review status: reviewed by expert panel (3 of 4 stars). 2 submissions from 2 submitters: Pathogenic (1). 1 of the submissions does not count toward it. Last evaluated 2016-09-08.

Conditions:
Breast-ovarian cancer, familial, susceptibility to, 2 (BROVCA2). Also called: BRCA2 Hereditary Breast and Ovarian Cancer. Identifiers: Orphanet 145, MedGen C2675520, MONDO:0012933, OMIM 612555. Disease mechanism: loss of function.
Hereditary cancer-predisposing syndrome. Also called: Hereditary Cancer Syndrome; Neoplastic Syndromes, Hereditary; Tumor predisposition; Hereditary neoplastic syndrome. Identifiers: Orphanet 140162, MedGen C0027672, MeSH D009386, MONDO:0015356.

Submissions (2):

Evidence-based Network for the Interpretation of Germline Mutant Alleles (ENIGMA)
Classification: Pathogenic for Breast-ovarian cancer, familial, susceptibility to, 2. Last evaluated: 2016-09-08. Review status: reviewed by expert panel. Criteria: ENIGMA BRCA1/2 Classification Criteria (2015). Collection method: curation. Allele origin: germline.
Comment: Variant allele predicted to encode a truncated non-functional protein.

Ambry Genetics
Classification: Pathogenic for Hereditary cancer-predisposing syndrome. Last evaluated: 2014-07-05. Review status: criteria provided, single submitter. Criteria: Ambry Variant Classification Scheme 2023. Collection method: clinical testing. Allele origin: germline. Not counted in ClinVar's aggregate classification.
Comment: The c.8996dupT (also known as 9224dupT) pathogenic mutation, located in coding exon 22 of the BRCA2 gene, results from a duplication of T at nucleotide position 8996, causing a translational frameshift with a predicted alternate stop codon (p.L2999Lfs*19). Since frameshifts are typically deleterious in nature, this alteration is interpreted as a disease-causing mutation (ACMG Recommendations for Standards for Interpretation and Reporting of Sequence Variations. Revision 2007. Genet Med. 2008;10:294).